The following is an entry in ClinVar:

ClinVar aggregate classification (germline): Uncertain significance (1 of 4 stars; one submission).

Conditions:
Cardiovascular phenotype. Identifiers: MedGen CN230736.

Submission:

Ambry Genetics
Classification: Uncertain significance for Cardiovascular phenotype. Last evaluated: 2026-02-14. Review status: criteria provided, single submitter. Criteria: Ambry Variant Classification Scheme 2023. Collection method: clinical testing. Allele origin: germline.
Comment: The p.P516T variant (also known as c.1546C>A), located in coding exon 2 of the TNXB gene, results from a C to A substitution at nucleotide position 1546. The proline at codon 516 is replaced by threonine, an amino acid with highly similar properties. This amino acid position is conserved. In addition, this alteration is predicted to be tolerated by in silico analysis. Based on the available evidence, the clinical significance of this variant remains unclear.

NM_001365276.2(TNXB):c.1546C>A (p.Pro516Thr)

Gene: TNXB (tenascin XB; minus strand). Cytogenetic location: 6p21.33.
Variant type: single nucleotide variant.
Coding change: c.1546C>A on transcript NM_001365276.2 (MANE Select); coding-DNA position 1546, C replaced by A.
Protein change: p.Pro516Thr; replaces proline 516 with threonine.
Molecular consequence: missense variant.
Genome position (GRCh38, 1-based): chr6:32,096,307, G>T on the plus strand (C>A on the coding strand, the complement: TNXB is on the minus strand). VCF-style: chr6-32096307-G-T. GRCh37 (hg19) VCF-style: chr6-32064084-G-T.
Other names: c.1546C>A, p.Pro516Thr (NM_001428335.1, NM_019105.8); short protein forms P516T.
Identifiers: ClinVar variation 4824411 (VCV004824411.1).